The following is an entry in ClinVar:

ClinVar aggregate classification (germline): Uncertain significance. Review status: criteria provided, multiple submitters, no conflicts (2 of 4 stars). 2 submissions from 2 submitters: Uncertain significance (2). Last evaluated 2025-10-21.

Conditions:
Inborn genetic diseases. Identifiers: MedGen C0950123, MeSH D030342.

Allele frequency attached by ClinVar (database versions not stated): gnomAD 0.00003; TOPMed 0.00003; ESP Exome Variant Server 0.00008; ExAC 0.00001.
gnomAD v4.1: 6 of 1,608,736 alleles (0.00037%); highest among the groups gnomAD compares: African/African-American, 0.0067%; no homozygotes.

Submissions (2):

Labcorp Genetics (formerly Invitae), Labcorp
Classification: Uncertain significance. Last evaluated: 2025-10-21. Review status: criteria provided, single submitter. Criteria: Invitae Variant Classification Sherloc (09022015). Collection method: clinical testing. Allele origin: germline.
Comment: This sequence change replaces glutamic acid, which is acidic and polar, with lysine, which is basic and polar, at codon 557 of the TNFRSF11A protein (p.Glu557Lys). The frequency data for this variant in the population databases is considered unreliable, as metrics indicate poor data quality at this position in the gnomAD database. This variant has not been reported in the literature in individuals affected with TNFRSF11A-related conditions. ClinVar contains an entry for this variant (Variation ID: 3019156). An algorithm developed to predict the effect of missense changes on protein structure and function (PolyPhen-2) suggests that this variant is likely to be disruptive. In summary, the available evidence is currently insufficient to determine the role of this variant in disease. Therefore, it has been classified as a Variant of Uncertain Significance.

Ambry Genetics
Classification: Uncertain significance for Inborn genetic diseases. Last evaluated: 2024-08-10. Review status: criteria provided, single submitter. Criteria: Ambry Variant Classification Scheme 2023. Collection method: clinical testing. Allele origin: germline.
Comment: Unlikely to be causative of TNFRSF11A-related osteolytic disorder (AD) Based on insufficient or conflicting evidence, the clinical significance of this alteration remains unclear.

NM_003839.4(TNFRSF11A):c.1669G>A (p.Glu557Lys)

Gene: TNFRSF11A (TNF receptor superfamily member 11a; plus strand). Cytogenetic location: 18q21.33.
Variant type: single nucleotide variant.
Coding change: c.1669G>A on transcript NM_003839.4 (MANE Select); coding-DNA position 1669, G replaced by A.
Protein change: p.Glu557Lys; replaces glutamic acid 557 with lysine.
Molecular consequence: missense variant. On other transcripts: 3 prime UTR variant (1).
Genome position (GRCh38, 1-based): chr18:62,384,852, G>A. VCF-style: chr18-62384852-G-A. GRCh37 (hg19) VCF-style: chr18-60052085-G-A.
Other names: c.*93G>A (NM_001270949.2); c.832G>A, p.Glu278Lys (NM_001270950.2); c.718G>A, p.Glu240Lys (NM_001270951.2); c.1627G>A, p.Glu543Lys (NM_001278268.2); short protein forms E278K, E543K, E557K, E240K.
Identifiers: ClinVar variation 3019156 (VCV003019156.4), dbSNP rs372282611, ClinGen allele CA8984021.
Genomic context (GRCh38, chr18:62,384,852, plus strand): 5'-GGGCAGGTGATGAACTTCAAGGGCGACATCATCGTGGTCTACGTCAGCCAGACCTCGCAG[G>A]AGGGCGCGGCGGCGGCTGCGGAGCCCATGGGCCGCCCGGTGCAGGAGGAGACCCTGGCGC-3'
Protein context (NP_003830.1, residues 547-567): IVVYVSQTSQ[Glu557Lys]GAAAAAEPMG